The following is an entry in ClinVar:

NM_001370466.1(NOD2):c.1708G>A (p.Ala570Thr)

Gene: NOD2 (nucleotide binding oligomerization domain containing 2; plus strand). Cytogenetic location: 16q12.1.
Variant type: single nucleotide variant.
Coding change: c.1708G>A on transcript NM_001370466.1 (MANE Select); coding-DNA position 1708, G replaced by A.
Protein change: p.Ala570Thr; replaces alanine 570 with threonine.
Molecular consequence: missense variant. On other transcripts: non-coding transcript variant (1).
Genome position (GRCh38, 1-based): chr16:50,711,700, G>A. VCF-style: chr16-50711700-G-A. GRCh37 (hg19) VCF-style: chr16-50745611-G-A.
Other names: c.1708G>A, p.Ala570Thr (NM_001293557.2); c.1789G>A, p.Ala597Thr (NM_022162.3); short protein forms A570T, A597T.
Identifiers: ClinVar variation 2923345 (VCV002923345.3), dbSNP rs2506422574, ClinGen allele CA395869653.

ClinVar aggregate classification (germline): Uncertain significance (1 of 4 stars; one submission).

Conditions:
Regional enteritis. Also called: Enteritis, Granulomatous. Identifiers: MedGen C0678202, MeSH D003424.
Blau syndrome (BLAUS). Also called: ARTHROCUTANEOUVEAL GRANULOMATOSIS; GRANULOMATOSIS, FAMILIAL JUVENILE SYSTEMIC; GRANULOMATOSIS, FAMILIAL, BLAU TYPE; GRANULOMATOUS INFLAMMATORY ARTHRITIS, DERMATITIS, AND UVEITIS, FAMILIAL; JABS SYNDROME. Identifiers: Orphanet 90340, MedGen C5201146, MONDO:0008523, OMIM 186580.

Submission:

Labcorp Genetics (formerly Invitae), Labcorp
Classification: Uncertain significance for Regional enteritis; Blau syndrome. Last evaluated: 2023-08-20. Review status: criteria provided, single submitter. Criteria: Invitae Variant Classification Sherloc (09022015). Collection method: clinical testing. Allele origin: germline.
Comment: This sequence change replaces alanine, which is neutral and non-polar, with threonine, which is neutral and polar, at codon 597 of the NOD2 protein (p.Ala597Thr). This variant is not present in population databases (gnomAD no frequency). This variant has not been reported in the literature in individuals affected with NOD2-related conditions. Advanced modeling of protein sequence and biophysical properties (such as structural, functional, and spatial information, amino acid conservation, physicochemical variation, residue mobility, and thermodynamic stability) performed at Invitae indicates that this missense variant is not expected to disrupt NOD2 protein function. In summary, the available evidence is currently insufficient to determine the role of this variant in disease. Therefore, it has been classified as a Variant of Uncertain Significance.